The following is an entry in ClinVar:

NM_173354.5(SIK1):c.673G>A (p.Asp225Asn)

Gene: SIK1 (salt inducible kinase 1; minus strand). Cytogenetic location: 21q22.3.
Variant type: single nucleotide variant.
Coding change: c.673G>A on transcript NM_173354.5 (MANE Select); coding-DNA position 673, G replaced by A.
Protein change: p.Asp225Asn; replaces aspartic acid 225 with asparagine.
Molecular consequence: missense variant.
Genome position (GRCh38, 1-based): chr21:43,421,085, C>T on the plus strand (G>A on the coding strand, the complement: SIK1 is on the minus strand). VCF-style: chr21-43421085-C-T. GRCh37 (hg19) VCF-style: chr21-44840965-C-T.
Other names: short protein forms D225N.
Identifiers: ClinVar variation 2599533 (VCV002599533.5), dbSNP rs768610335, ClinGen allele CA321327436.

ClinVar aggregate classification (germline): Uncertain significance. Review status: criteria provided, multiple submitters, no conflicts (2 of 4 stars). 2 submissions from 2 submitters: Uncertain significance (2). Last evaluated 2024-05-10.

Conditions:
Developmental and epileptic encephalopathy, 30 (DEE30). Also called: Epileptic encephalopathy, early infantile, 30. Identifiers: MedGen C4225360, MONDO:0014595, OMIM 616341.
Inborn genetic diseases. Identifiers: MedGen C0950123, MeSH D030342.

Allele frequency attached by ClinVar (database versions not stated): ExAC 0.00001.

Submissions (2):

Labcorp Genetics (formerly Invitae), Labcorp
Classification: Uncertain significance for Developmental and epileptic encephalopathy, 30. Last evaluated: 2024-05-10. Review status: criteria provided, single submitter. Criteria: Invitae Variant Classification Sherloc (09022015). Collection method: clinical testing. Allele origin: germline.
Comment: This sequence change replaces aspartic acid, which is acidic and polar, with asparagine, which is neutral and polar, at codon 225 of the SIK1 protein (p.Asp225Asn). This variant is present in population databases (rs768610335, gnomAD 0.003%). This variant has not been reported in the literature in individuals affected with SIK1-related conditions. ClinVar contains an entry for this variant (Variation ID: 2599533). Advanced modeling of protein sequence and biophysical properties (such as structural, functional, and spatial information, amino acid conservation, physicochemical variation, residue mobility, and thermodynamic stability) performed at Invitae indicates that this missense variant is not expected to disrupt SIK1 protein function with a negative predictive value of 95%. In summary, the available evidence is currently insufficient to determine the role of this variant in disease. Therefore, it has been classified as a Variant of Uncertain Significance.

Ambry Genetics
Classification: Uncertain significance for Inborn genetic diseases. Last evaluated: 2023-06-28. Review status: criteria provided, single submitter. Criteria: Ambry Variant Classification Scheme 2023. Collection method: clinical testing. Allele origin: germline.